The following is an entry in ClinVar:

ClinVar aggregate classification (germline): Benign/Likely benign. Review status: criteria provided, multiple submitters, no conflicts (2 of 4 stars). 3 submissions from 3 submitters: Benign (2); Likely benign (1). Last evaluated 2025-09-01.

Allele frequency attached by ClinVar (database versions not stated): gnomAD exomes 0.00661; ExAC 0.00676; ESP Exome Variant Server 0.00730; 1000 Genomes Project 0.00260; 1000 Genomes Project 30x 0.00265; gnomAD 0.00643; TOPMed 0.00646.
gnomAD v4.1: 13,321 of 1,609,736 alleles (0.83%); highest among the groups gnomAD compares: Non-Finnish European, 0.97%; 84 homozygotes.

Submissions (3):

CeGaT Center for Human Genetics Tuebingen
Classification: Likely benign. Last evaluated: 2025-09-01. Review status: criteria provided, single submitter. Criteria: CeGaT Center For Human Genetics Tuebingen Variant Classification Criteria Version 2. Collection method: clinical testing. Allele origin: germline. Affected: yes. Observed: 2 variant alleles.
Comment: LLGL2: BS2

Labcorp Genetics (formerly Invitae), Labcorp
Classification: Benign. Last evaluated: 2018-05-12. Review status: criteria provided, single submitter. Criteria: Invitae Variant Classification Sherloc (09022015). Collection method: clinical testing. Allele origin: germline.

Breakthrough Genomics
Classification: Benign. Review status: criteria provided, single submitter. Criteria: ACMG Guidelines, 2015. Collection method: not provided. Allele origin: germline. Inheritance: Unknown mechanism. Affected: yes.

NM_001031803.2(LLGL2):c.2230G>A (p.Ala744Thr)

Gene: LLGL2 (LLGL scribble cell polarity complex component 2; plus strand). Cytogenetic location: 17q25.1.
Variant type: single nucleotide variant.
Coding change: c.2230G>A on transcript NM_001031803.2 (MANE Select); coding-DNA position 2230, G replaced by A.
Protein change: p.Ala744Thr; replaces alanine 744 with threonine.
Molecular consequence: missense variant.
Genome position (GRCh38, 1-based): chr17:75,571,720, G>A. VCF-style: chr17-75571720-G-A. GRCh37 (hg19) VCF-style: chr17-73567801-G-A.
Other names: c.2230G>A, p.Ala744Thr (NM_004524.3); short protein forms A744T.
Identifiers: ClinVar variation 769435 (VCV000769435.26), dbSNP rs148020757, ClinGen allele CA8765426.